The following is an entry in ClinVar:

ClinVar aggregate classification (germline): Uncertain significance. Review status: criteria provided, multiple submitters, no conflicts (2 of 4 stars). 2 submissions from 2 submitters: Uncertain significance (2). Last evaluated 2024-08-28.

Conditions:
Malignant hyperthermia, susceptibility to, 1 (MHS1). Also called: Anesthesia related hyperthermia; Malignant hyperpyrexia; Fulminating hyperpyrexia; Pharmacogenic myopathy; RYR1-Related Malignant Hyperthermia Susceptibility; Malignant hyperthermia suceptibility 1. Identifiers: Orphanet 423, MedGen C2930980, MONDO:0007783, OMIM 145600.
RYR1-related disorder. Also called: RYR1-related condition; RYR1-related disorders. Identifiers: MedGen CN239331.

Allele frequency attached by ClinVar (database versions not stated): gnomAD exomes below 0.00001.
gnomAD v4.1: 1 of 1,613,956 alleles (0.000062%); highest among the groups gnomAD compares: Non-Finnish European, 0.000085%; no homozygotes.

Submissions (2):

Labcorp Genetics (formerly Invitae), Labcorp
Classification: Uncertain significance for RYR1-related disorder. Last evaluated: 2024-08-28. Review status: criteria provided, single submitter. Criteria: Invitae Variant Classification Sherloc (09022015). Collection method: clinical testing. Allele origin: germline.
Comment: This sequence change replaces cysteine, which is neutral and slightly polar, with arginine, which is basic and polar, at codon 844 of the RYR1 protein (p.Cys844Arg). This variant is not present in population databases (gnomAD no frequency). This variant has not been reported in the literature in individuals affected with RYR1-related conditions. Invitae Evidence Modeling of protein sequence and biophysical properties (such as structural, functional, and spatial information, amino acid conservation, physicochemical variation, residue mobility, and thermodynamic stability) indicates that this missense variant is not expected to disrupt RYR1 protein function with a negative predictive value of 95%. In summary, the available evidence is currently insufficient to determine the role of this variant in disease. Therefore, it has been classified as a Variant of Uncertain Significance.

All of Us Research Program, National Institutes of Health
Classification: Uncertain significance for Malignant hyperthermia, susceptibility to, 1. Last evaluated: 2024-07-20. Review status: criteria provided, single submitter. Criteria: ACMG Guidelines, 2015. Collection method: clinical testing. Allele origin: germline. Inheritance: Autosomal dominant inheritance. Observed: 2 variant alleles, 2 heterozygotes.
Comment: This missense variant replaces cysteine with arginine at codon 844 of the RYR1 protein. Computational prediction suggests that this variant may have deleterious impact on protein structure and function (internally defined REVEL score threshold >= 0.7, PMID: 27666373). To our knowledge, functional studies have not been reported for this variant. This variant has not been reported in individuals affected with RYR1-related disorders in the literature. This variant has not been identified in the general population by the Genome Aggregation Database (gnomAD). The available evidence is insufficient to determine the role of this variant in disease conclusively. Therefore, this variant is classified as a Variant of Uncertain Significance.

This study involves interpretation of variants in research participants for the purpose of population health screening. Participant phenotype was not available at the time of variant classification. Additional details can be found in publication PMID: 35346344, PMCID: PMC8962531

NM_000540.3(RYR1):c.2530T>C (p.Cys844Arg)

Gene: RYR1 (ryanodine receptor 1; plus strand). Cytogenetic location: 19q13.2.
Variant type: single nucleotide variant.
Coding change: c.2530T>C on transcript NM_000540.3 (MANE Select); coding-DNA position 2530, T replaced by C.
Protein change: p.Cys844Arg; replaces cysteine 844 with arginine.
Molecular consequence: missense variant.
Genome position (GRCh38, 1-based): chr19:38,460,544, T>C. VCF-style: chr19-38460544-T-C. GRCh37 (hg19) VCF-style: chr19-38951184-T-C.
Other names: c.2530T>C, p.Cys844Arg (NM_001042723.2); short protein forms C844R.
Identifiers: ClinVar variation 3072368 (VCV003072368.4), dbSNP rs2145419145, ClinGen allele CA405630085.